The following is an entry in ClinVar:

ClinVar aggregate classification (germline): Pathogenic (0 of 4 stars; one submission).

Conditions:
DNAH11-related disorder. Also called: DNAH11-related condition.

Submission:

PreventionGenetics, part of Exact Sciences
Classification: Pathogenic for DNAH11-related condition. Last evaluated: 2023-12-26. Review status: no assertion criteria provided. Collection method: clinical testing. Allele origin: germline.
Comment: The DNAH11 c.10955dupA variant is predicted to result in a frameshift and premature protein termination (p.Asp3652Glufs*16). To our knowledge, this variant has not been reported in the literature or in a large population database, indicating this variant is rare. Frameshift variants in DNAH11 are expected to be pathogenic. This variant is interpreted as pathogenic.

NM_001277115.2(DNAH11):c.10955dup (p.Asp3652fs)

Gene: DNAH11 (dynein axonemal heavy chain 11; plus strand). Cytogenetic location: 7p15.3.
Variant type: Duplication.
Coding change: c.10955dup on transcript NM_001277115.2 (MANE Select); coding-DNA position 10955, one base duplicated (A; older notation c.10955dupA).
Protein change: p.Asp3652fs; shifts the reading frame from aspartic acid 3652.
Molecular consequence: frameshift variant.
Genome position (GRCh38, 1-based): chr7:21,852,525, A duplicated. VCF-style (leftmost placement, unchanged base first): chr7-21852524-G-GA. GRCh37 (hg19) VCF-style: chr7-21892142-G-GA.
Other names: c.10976dup, p.Asp3659Glufs (NM_003777.3); short protein forms D3652fs.
Identifiers: ClinVar variation 3043306 (VCV003043306.2), dbSNP rs2535464064, ClinGen allele CA2740097323.